The following is an entry in ClinVar:

NM_001605.3(AARS1):c.380G>C (p.Gly127Ala)

Gene: AARS1 (alanyl-tRNA synthetase 1; minus strand). Cytogenetic location: 16q22.1.
Variant type: single nucleotide variant.
Coding change: c.380G>C on transcript NM_001605.3 (MANE Select); coding-DNA position 380, G replaced by C.
Protein change: p.Gly127Ala; replaces glycine 127 with alanine.
Molecular consequence: missense variant.
Genome position (GRCh38, 1-based): chr16:70,276,585, C>G on the plus strand (G>C on the coding strand, the complement: AARS1 is on the minus strand). VCF-style: chr16-70276585-C-G. GRCh37 (hg19) VCF-style: chr16-70310488-C-G.
Other names: short protein forms G127A.
Identifiers: ClinVar variation 4998301 (VCV004998301.1).

ClinVar aggregate classification (germline): Uncertain significance (1 of 4 stars; one submission).

Conditions:
AARS1-related disorder. Also called: AARS1-related condition.

Submission:

PreventionGenetics, part of Exact Sciences
Classification: Uncertain significance for AARS1-related condition. Last evaluated: 2025-03-24. Review status: criteria provided, single submitter. Criteria: ACMG Guidelines, 2015. Collection method: clinical testing. Allele origin: germline.
Comment: The AARS1 c.380G>C variant is predicted to result in the amino acid substitution p.Gly127Ala. To our knowledge, this variant has not been reported in the literature or in a large population database (gnomAD), indicating this variant is rare. At this time, the clinical significance of this variant is uncertain due to the absence of conclusive functional and genetic evidence.